The following is an entry in ClinVar:

ClinVar aggregate classification (germline): Likely benign (0 of 4 stars; one submission).

Conditions:
ANLN-related disorder. Also called: ANLN-related condition.

gnomAD v4.1: 2 of 1,572,504 alleles (0.00013%); highest among the groups gnomAD compares: Admixed American, 0.0017%; no homozygotes.

Submission:

PreventionGenetics, part of Exact Sciences
Classification: Likely benign for ANLN-related condition. Last evaluated: 2024-07-29. Review status: no assertion criteria provided. Collection method: clinical testing. Allele origin: germline.
Comment: This variant is classified as likely benign based on ACMG/AMP sequence variant interpretation guidelines (Richards et al. 2015 PMID: 25741868, with internal and published modifications).

NM_018685.5(ANLN):c.3078+10A>G

Gene: ANLN (anillin, actin binding protein; plus strand). Cytogenetic location: 7p14.2.
Variant type: single nucleotide variant.
Coding change: c.3078+10A>G on transcript NM_018685.5 (MANE Select); 10 bases into the intron after coding-DNA position 3078, A replaced by G.
Molecular consequence: intron variant.
Genome position (GRCh38, 1-based): chr7:36,443,872, A>G. VCF-style: chr7-36443872-A-G. GRCh37 (hg19) VCF-style: chr7-36483481-A-G.
Other names: c.2967+10A>G (NM_001284301.3); c.2964+10A>G (NM_001284302.3).
Identifiers: ClinVar variation 3349691 (VCV003349691.1).